The following is an entry in ClinVar:

NM_000206.3(IL2RG):c.347A>C (p.Gln116Pro)

Gene: IL2RG (interleukin 2 receptor subunit gamma; minus strand). Cytogenetic location: Xq13.1.
Variant type: single nucleotide variant.
Coding change: c.347A>C on transcript NM_000206.3 (MANE Select); coding-DNA position 347, A replaced by C.
Protein change: p.Gln116Pro; replaces glutamine 116 with proline.
Molecular consequence: missense variant.
Genome position (GRCh38, 1-based): chrX:71,110,611, T>G on the plus strand (A>C on the coding strand, the complement: IL2RG is on the minus strand). VCF-style: chrX-71110611-T-G. GRCh37 (hg19) VCF-style: chrX-70330461-T-G.
Other names: short protein forms Q116P.
Identifiers: ClinVar variation 450605 (VCV000450605.2), dbSNP rs1556330752, ClinGen allele CA413496765.
Genomic context (GRCh38, chrX:71,110,611, plus strand): 5'-CGTGGGTCCTGGAGCTGAACAACAAATGTTTGGTAGAGGTGGATCTCCTTTTTTTGCAAC[T>G]GACAGCCAGAAGTGATTTCTTCAGAGAATAGATAGTGGCTGCACTTCTGGACTTTATCAT-3'
Protein context (NP_000197.1, residues 106-126): LFSEEITSGC[Gln116Pro]LQKKEIHLYQ

ClinVar aggregate classification (germline): Uncertain significance (1 of 4 stars; one submission).

Submission:

GeneDx
Classification: Uncertain significance. Last evaluated: 2017-07-14. Review status: criteria provided, single submitter. Criteria: GeneDx Variant Classification (06012015). Collection method: clinical testing. Allele origin: germline. Affected: yes.
Comment: The Q116P variant has not been published as a pathogenic variant, nor has it been reported as a benign variant to our knowledge. The variant is not observed in large population cohorts (Lek et al., 2016; 1000 Genomes Consortium et al., 2015; Exome Variant Server). Q116P is a non-conservative amino acid substitution, which is likely to impact secondary protein structure as these residues differ in polarity, charge, size and/or other properties. However, this substitution occurs at a position that is not conserved. In silico analysis is inconsistent in its predictions as to whether or not the variant is damaging to the protein structure/function. In summary, based on the currently available information, it is unclear whether this variant is a pathogenic variant or a rare benign variant.